The following is an entry in ClinVar:

NM_001006658.3(CR2):c.1597A>T (p.Ile533Phe)

Gene: CR2 (complement C3d receptor 2; plus strand). Cytogenetic location: 1q32.2.
Variant type: single nucleotide variant.
Coding change: c.1597A>T on transcript NM_001006658.3 (MANE Select); coding-DNA position 1597, A replaced by T.
Protein change: p.Ile533Phe; replaces isoleucine 533 with phenylalanine.
Molecular consequence: missense variant.
Genome position (GRCh38, 1-based): chr1:207,472,798, A>T. VCF-style: chr1-207472798-A-T. GRCh37 (hg19) VCF-style: chr1-207646143-A-T.
Other names: c.1597A>T, p.Ile533Phe (NM_001877.5); short protein forms I533F.
Identifiers: ClinVar variation 540307 (VCV000540307.11), dbSNP rs762951469, ClinGen allele CA1368775.

ClinVar aggregate classification (germline): Uncertain significance. Review status: criteria provided, multiple submitters, no conflicts (2 of 4 stars). 4 submissions from 4 submitters: Uncertain significance (4). Last evaluated 2026-07-31.

Conditions:
CR2-related disorder. Also called: CR2-related condition; CR2-related disorders.
Inborn genetic diseases. Identifiers: MedGen C0950123, MeSH D030342.
Immunodeficiency, common variable, 7. Identifiers: Orphanet 1572, Orphanet 696894, MedGen C3542922, MONDO:0013862, OMIM 614699.

Allele frequency attached by ClinVar (database versions not stated): gnomAD exomes 0.00001; ExAC 0.00002; TOPMed 0.00002; gnomAD 0.00004 and 0.00005.
gnomAD v4.1: 25 of 1,613,896 alleles (0.0015%); highest among the groups gnomAD compares: Admixed American, 0.012%; 1 homozygote.

Submissions (4):

PreventionGenetics, part of Exact Sciences
Classification: Uncertain significance for CR2-related condition. Last evaluated: 2026-07-31. Review status: criteria provided, single submitter. Criteria: ACMG Guidelines, 2015. Collection method: clinical testing. Allele origin: germline.
Comment: The CR2 c.1597A>T variant is predicted to result in the amino acid substitution p.Ile533Phe. To our knowledge, this variant has not been reported in the literature. This variant is reported in 0.010% of alleles in individuals of East Asian descent in gnomAD. At this time, the clinical significance of this variant is uncertain due to the absence of conclusive functional and genetic evidence.

Ambry Genetics
Classification: Uncertain significance for Inborn genetic diseases. Last evaluated: 2025-10-15. Review status: criteria provided, single submitter. Criteria: Ambry Variant Classification Scheme 2023. Collection method: clinical testing. Allele origin: germline.

Blueprint Genetics
Classification: Uncertain significance. Last evaluated: 2024-03-07. Review status: criteria provided, single submitter. Criteria: ACMG Guidelines, 2015. Collection method: clinical testing. Allele origin: germline.

Labcorp Genetics (formerly Invitae), Labcorp
Classification: Uncertain significance for Immunodeficiency, common variable, 7. Last evaluated: 2023-12-07. Review status: criteria provided, single submitter. Criteria: Invitae Variant Classification Sherloc (09022015). Collection method: clinical testing. Allele origin: germline.
Comment: This sequence change replaces isoleucine, which is neutral and non-polar, with phenylalanine, which is neutral and non-polar, at codon 533 of the CR2 protein (p.Ile533Phe). This variant is present in population databases (rs762951469, gnomAD 0.01%). This variant has not been reported in the literature in individuals affected with CR2-related conditions. ClinVar contains an entry for this variant (Variation ID: 540307). An algorithm developed to predict the effect of missense changes on protein structure and function (PolyPhen-2) suggests that this variant is likely to be disruptive. In summary, the available evidence is currently insufficient to determine the role of this variant in disease. Therefore, it has been classified as a Variant of Uncertain Significance.